The following is an entry in ClinVar:

NM_138713.4(NFAT5):c.2080A>G (p.Thr694Ala)

Gene: NFAT5 (nuclear factor of activated T cells 5; plus strand). Cytogenetic location: 16q22.1.
Variant type: single nucleotide variant.
Coding change: c.2080A>G on transcript NM_138713.4 (MANE Select); coding-DNA position 2080, A replaced by G.
Protein change: p.Thr694Ala; replaces threonine 694 with alanine.
Molecular consequence: missense variant.
Genome position (GRCh38, 1-based): chr16:69,691,905, A>G. VCF-style: chr16-69691905-A-G. GRCh37 (hg19) VCF-style: chr16-69725808-A-G.
Other names: c.2077A>G, p.Thr693Ala (NM_001113178.3); c.1405A>G, p.Thr469Ala (NM_001367709.1); c.2026A>G, p.Thr676Ala (NM_006599.4); c.1798A>G, p.Thr600Ala (NM_138714.4, NM_173214.3, NM_173215.3); short protein forms T600A, T693A, T676A, T469A, T694A.
Identifiers: ClinVar variation 4767728 (VCV004767728.1).
Genomic context (GRCh38, chr16:69,691,905, plus strand): 5'-CCTTCTGAAAATGAAAAACAGCAGCAGATTCAGCCCAAGGCATACAACCCAGAGACCCTG[A>G]CAACTATTCAAACCCAGGACATCTCACAGCCTGGTACTTTTCCAGCAGTTTCTGCTTCTA-3'
Protein context (NP_619727.2, residues 684-704): QPKAYNPETL[Thr694Ala]TIQTQDISQP

ClinVar aggregate classification (germline): Uncertain significance (1 of 4 stars; one submission).

Conditions:
Immunodeficiency. Identifiers: MedGen C0021051, MONDO:0021094, HP:0002721.

gnomAD v4.1: 1 of 1,614,196 alleles (0.000062%); highest among the groups gnomAD compares: African/African-American, 0.0013%; no homozygotes.

Submission:

Labcorp Genetics (formerly Invitae), Labcorp
Classification: Uncertain significance for Immunodeficiency. Last evaluated: 2025-02-17. Review status: criteria provided, single submitter. Criteria: Invitae Variant Classification Sherloc (09022015). Collection method: clinical testing. Allele origin: germline.
Comment: This sequence change replaces threonine, which is neutral and polar, with alanine, which is neutral and non-polar, at codon 600 of the NFAT5 protein (p.Thr600Ala). This variant is not present in population databases (gnomAD no frequency). This variant has not been reported in the literature in individuals affected with NFAT5-related conditions. An algorithm developed to predict the effect of missense changes on protein structure and function (PolyPhen-2) suggests that this variant is likely to be tolerated. In summary, the available evidence is currently insufficient to determine the role of this variant in disease. Therefore, it has been classified as a Variant of Uncertain Significance.